The following is an entry in ClinVar:

ClinVar aggregate classification (germline): Likely pathogenic. Review status: criteria provided, multiple submitters, no conflicts (2 of 4 stars). 4 submissions from 4 submitters: Likely pathogenic (3). 1 of the submissions does not count toward it. Last evaluated 2024-10-22.

Conditions:
Achromatopsia. Also called: Rod monochromatism. Identifiers: Orphanet 49382, MedGen C0152200, MONDO:0018852, HP:0011516.
Achromatopsia 3 (ACHM3). Also called: TOTAL COLORBLINDNESS WITH MYOPIA; ROD MONOCHROMACY 1; ROD MONOCHROMATISM 1; PINGELAPESE BLINDNESS; ACHROMATOPSIA WITH MYOPIA. Identifiers: Orphanet 49382, MedGen C1849792, MONDO:0009875, OMIM 262300.

gnomAD v4.1: 3 of 1,549,256 alleles (0.00019%); highest among the groups gnomAD compares: Non-Finnish European, 0.00018%; no homozygotes.

Submissions (4):

Natera, Inc.
Classification: Likely pathogenic for Achromatopsia. Last evaluated: 2024-10-22. Review status: criteria provided, single submitter. Criteria: Natera Variant Classification Schema (03/2026). Collection method: clinical testing. Allele origin: germline.
Comment: The c.1663-5T>G variant in CNGB3 is an intronic variant located outside the canonical splice sites. This variant is rare in the general population with a frequency below the threshold expected for the associated phenotype(s). This variant has been observed in one or more individuals affected with the associated recessive disease, as either homozygous or compound heterozygous with a second variant (PMID: 16319819). Functional studies show that this variant may disrupt protein function (PMID: 16319819). Computational prediction algorithms indicate this variant is likely to affect gene or protein function. Given the available evidence, this variant is classified as Likely Pathogenic.

Fulgent Genetics
Classification: Likely pathogenic for Achromatopsia 3. Last evaluated: 2024-02-18. Review status: criteria provided, single submitter. Criteria: ACMG Guidelines, 2015. Collection method: clinical testing. Allele origin: germline.

Labcorp Genetics (formerly Invitae), Labcorp
Classification: Likely pathogenic. Last evaluated: 2021-08-09. Review status: criteria provided, single submitter. Criteria: Invitae Variant Classification Sherloc (09022015). Collection method: clinical testing. Allele origin: germline.
Comment: This sequence change falls in intron 14 of the CNGB3 gene. It does not directly change the encoded amino acid sequence of the CNGB3 protein. This variant is not present in population databases (ExAC no frequency). This variant has been observed in individual(s) with achromatopsia (PMID: 16319819, 28795510). In at least one individual the data is consistent with the variant being in trans (on the opposite chromosome) from a pathogenic variant. ClinVar contains an entry for this variant (Variation ID: 427706). Studies have shown that this variant is associated with altered splicing, but the impact on the resulting protein product is unknown (PMID: 16319819). In summary, the currently available evidence indicates that the variant is pathogenic, but additional data are needed to prove that conclusively. Therefore, this variant has been classified as Likely Pathogenic.

Molecular Genetics Laboratory, Institute for Ophthalmic Research
Classification: Likely pathogenic for ACHM3. Last evaluated: 2017-03-27. Review status: no assertion criteria provided. Collection method: research. Allele origin: unknown. Affected: yes. Not counted in ClinVar's aggregate classification.

Literature cited by the submitters: PubMed 16319819 (cited by Natera, Inc. and Labcorp Genetics (formerly Invitae), Labcorp); PubMed 28795510 (cited by Labcorp Genetics (formerly Invitae), Labcorp and Molecular Genetics Laboratory, Institute for Ophthalmic Research).

NM_019098.5(CNGB3):c.1663-5T>G

Gene: CNGB3 (cyclic nucleotide gated channel subunit beta 3; minus strand). Cytogenetic location: 8q21.3.
Variant type: single nucleotide variant.
Coding change: c.1663-5T>G on transcript NM_019098.5 (MANE Select); 5 bases into the intron before coding-DNA position 1663, T replaced by G.
Molecular consequence: intron variant.
Genome position (GRCh38, 1-based): chr8:86,604,216, A>C on the plus strand (T>G on the coding strand, the complement: CNGB3 is on the minus strand). VCF-style: chr8-86604216-A-C. GRCh37 (hg19) VCF-style: chr8-87616444-A-C.
Identifiers: ClinVar variation 427706 (VCV000427706.8), dbSNP rs964530890, ClinGen allele CA180349176.